The following is an entry in ClinVar:

ClinVar aggregate classification (germline): Uncertain significance (1 of 4 stars; one submission).

Allele frequency attached by ClinVar (database versions not stated): gnomAD exomes below 0.00001; gnomAD 0.00003 and 0.00004; TOPMed 0.00004; ESP Exome Variant Server 0.00008.
gnomAD v4.1: 58 of 1,614,074 alleles (0.0036%); highest among the groups gnomAD compares: Non-Finnish European, 0.0044%; no homozygotes.

Submission:

Women's Health and Genetics/Laboratory Corporation of America, LabCorp
Classification: Uncertain significance. Last evaluated: 2019-02-13. Review status: criteria provided, single submitter. Criteria: LabCorp Variant Classification Summary - May 2015. Collection method: clinical testing. Allele origin: germline.
Comment: Variant summary: TRIO c.1143G>C (p.Gln381His) results in a non-conservative amino acid change located in the Spectrin/alpha-actinin repeat region of the encoded protein sequence. Three of five in-silico tools predict a damaging effect of the variant on protein function. The variant allele was found at a frequency of 4.1e-06 in 246204 control chromosomes (gnomAD). The available data on variant occurrences in the general population are insufficient to allow any conclusion about variant significance. To our knowledge, no occurrence of c.1143G>C in individuals affected with Mental retardation, autosomal dominant 44 and no experimental evidence demonstrating its impact on protein function have been reported. No clinical diagnostic laboratories have submitted clinical-significance assessments for this variant to ClinVar after 2014. Based on the evidence outlined above, the variant was classified as uncertain significance.

NM_007118.4(TRIO):c.1143G>C (p.Gln381His)

Gene: TRIO (trio Rho guanine nucleotide exchange factor; plus strand). Cytogenetic location: 5p15.2.
Variant type: single nucleotide variant.
Coding change: c.1143G>C on transcript NM_007118.4 (MANE Select); coding-DNA position 1143, G replaced by C.
Protein change: p.Gln381His; replaces glutamine 381 with histidine.
Molecular consequence: missense variant. On other transcripts: non-coding transcript variant (1).
Genome position (GRCh38, 1-based): chr5:14,293,101, G>C. VCF-style: chr5-14293101-G-C. GRCh37 (hg19) VCF-style: chr5-14293210-G-C.
Other names: short protein forms Q381H.
Identifiers: ClinVar variation 928490 (VCV000928490.1), dbSNP rs369621289, ClinGen allele CA113959961.
Genomic context (GRCh38, chr5:14,293,101, plus strand): 5'-CCTGTTTCTAAACAGCTACACAGAGATTGGGACCAGCCACCCTCATGCCATGGAGCTTCA[G>C]ACGCAGCACAATCACTTTGCCATGAACTGTATGGTAAGACACTCGGAACAGCTGGACCCT-3'
Protein context (NP_009049.2, residues 371-391): GTSHPHAMEL[Gln381His]TQHNHFAMNC